The following is an entry in ClinVar:

ClinVar aggregate classification (germline): Pathogenic (1 of 4 stars; one submission).

Conditions:
Pitt-Hopkins syndrome (PTHS). Also called: ENCEPHALOPATHY, SEVERE EPILEPTIC, WITH AUTONOMIC DYSFUNCTION; MENTAL RETARDATION, SYNDROMAL, WITH INTERMITTENT HYPERVENTILATION. Identifiers: Orphanet 2896, MedGen C1970431, MONDO:0012589, OMIM 610954.

Submission:

Victorian Clinical Genetics Services, Murdoch Childrens Research Institute
Classification: Pathogenic for Pitt-Hopkins syndrome. Last evaluated: 2023-12-21. Review status: criteria provided, single submitter. Criteria: ACMG Guidelines, 2015. Collection method: clinical testing. Allele origin: germline. Inheritance: Autosomal dominant inheritance. Affected: yes.
Comment: Based on the classification scheme VCGS_Germline_v1.3.4, this variant is classified as Pathogenic. Following criteria are met: 0102 - Loss of function is a known mechanism of disease in this gene and is associated with Pitt-Hopkins syndrome (MIM#610954), and dominant negative is a suggested mechanism for some missense variants (PMID: 22460224, PMID: 34134113). Fuchs endothelial corneal dystrophy (MIM#613267) is only caused by expanded CTG repeats (OMIM), where the mechanism uis nclear. (I) 0107 - This gene is associated with autosomal dominant disease. (I) 0112 - The condition corneal dystrophy associated with this gene has incomplete penetrance (OMIM). (I) 0201 - Variant is predicted to cause nonsense-mediated decay (NMD) and loss of protein (premature termination codon is located at least 54 nucleotides upstream of the final exon-exon junction). (SP) 0251 - This variant is heterozygous. (I) 0301 - Variant is absent from gnomAD (both v2 and v3). (SP) 0701 - Other NMD-predicted variants comparable to the one identified in this case have very strong previous evidence for pathogenicity (DECIPHER). (SP) 0807 - This variant has no previous evidence of pathogenicity. (I) 0905 - No published segregation evidence has been identified for this variant. (I) 1007 - No published functional evidence has been identified for this variant. (SP) Legend: (SP) - Supporting pathogenic, (I) - Information, (SB) - Supporting benign

Literature cited by the submitters: PubMed 22460224; PubMed 34134113.

NM_001083962.2(TCF4):c.891del (p.Pro298fs)

Genes: TCF4 (transcription factor 4; minus strand), LOC126862757 (CDK7 strongly-dependent group 2 enhancer GRCh37_chr18:52936433-52937632; plus strand). Cytogenetic location: 18q21.2.
Variant type: Deletion.
Coding change: c.891del on transcript NM_001083962.2 (MANE Select); coding-DNA position 891, one base deleted (G; older notation c.891delG).
Protein change: p.Pro298fs; shifts the reading frame from proline 298.
Molecular consequence: frameshift variant.
Genome position (GRCh38, 1-based): chr18:55,269,862, C deleted on the plus strand (G on the coding strand, the reverse complement: TCF4 is on the minus strand). VCF-style (leftmost placement, unchanged base first): chr18-55269861-GC-G. GRCh37 (hg19) VCF-style: chr18-52937092-GC-G.
Other names: c.816del, p.Pro273fs (NM_001369581.1, NM_001369584.1, NM_001369585.1 and 3 more transcripts); c.819del, p.Pro274fs (NM_001369582.1, NM_001369583.1, NM_001369586.1 and 9 more transcripts); c.891del, p.Pro298fs (NM_003199.3, NM_001369572.1, NM_001369574.1 and 4 more transcripts); c.888del, p.Pro297fs (NM_001369573.1, NM_001369569.1, NM_001369570.1); c.1197del, p.Pro400fs (NM_001243226.3); c.909del, p.Pro304fs (NM_001243228.2); c.885del, p.Pro296fs (NM_001243230.2); c.765del, p.Pro256fs (NM_001243231.2, NM_001348211.2); and 4 more; short protein forms P138fs, P168fs, P227fs, P256fs, P273fs, P274fs, P296fs, P297fs.
Identifiers: ClinVar variation 3255075 (VCV003255075.1), dbSNP rs2512489495.